The following is an entry in ClinVar:

NM_138387.4(G6PC3):c.982G>A (p.Val328Met)

Gene: G6PC3 (glucose-6-phosphatase catalytic subunit 3; plus strand). Cytogenetic location: 17q21.31.
Variant type: single nucleotide variant.
Coding change: c.982G>A on transcript NM_138387.4 (MANE Select); coding-DNA position 982, G replaced by A.
Protein change: p.Val328Met; replaces valine 328 with methionine.
Molecular consequence: missense variant. On other transcripts: 3 prime UTR variant (1).
Genome position (GRCh38, 1-based): chr17:44,075,984, G>A. VCF-style: chr17-44075984-G-A. GRCh37 (hg19) VCF-style: chr17-42153352-G-A.
Other names: c.*275G>A (NM_001319945.2); c.637G>A, p.Val213Met (NM_001384165.1, NM_001384166.1, NM_001384167.1 and 1 more transcripts); short protein forms V328M, V213M.
Identifiers: ClinVar variation 582332 (VCV000582332.5), dbSNP rs1052762189, ClinGen allele CA290850701.
Genomic context (GRCh38, chr17:44,075,984, plus strand): 5'-CTCTTCTACATTTTCAATTTCCTCAAGTACACCCTCTGGCCATGCCTAGTCCTGGCCCTC[G>A]TGCCCTGGGCAGTGCACATGTTCAGTGCCCAGGAAGCACCGCCCATCCACTCTTCCTGAC-3'
Protein context (NP_612396.1, residues 318-338): TLWPCLVLAL[Val328Met]PWAVHMFSAQ

ClinVar aggregate classification (germline): Uncertain significance. Review status: criteria provided, multiple submitters, no conflicts (2 of 4 stars). 2 submissions from 2 submitters: Uncertain significance (2). Last evaluated 2025-03-12.

Conditions:
Inborn genetic diseases. Identifiers: MedGen C0950123, MeSH D030342.
Autosomal recessive severe congenital neutropenia due to G6PC3 deficiency. Also called: NEUTROPENIA, SEVERE CONGENITAL, 4, AUTOSOMAL RECESSIVE; G6PC3 Deficiency. Identifiers: Orphanet 331176, MedGen C2751630, MONDO:0012930, OMIM 612541.

Allele frequency attached by ClinVar (database versions not stated): gnomAD exomes below 0.00001 and 0.00001; TOPMed 0.00002; gnomAD 0.00001.

Submissions (2):

Ambry Genetics
Classification: Uncertain significance for Inborn genetic diseases. Last evaluated: 2025-03-12. Review status: criteria provided, single submitter. Criteria: Ambry Variant Classification Scheme 2023. Collection method: clinical testing. Allele origin: germline.
Comment: The p.V328M variant (also known as c.982G>A), located in coding exon 6 of the G6PC3 gene, results from a G to A substitution at nucleotide position 982. The valine at codon 328 is replaced by methionine, an amino acid with highly similar properties. This amino acid position is conserved. In addition, the in silico prediction for this alteration is inconclusive. Based on the available evidence, the clinical significance of this variant remains unclear.

Labcorp Genetics (formerly Invitae), Labcorp
Classification: Uncertain significance for Autosomal recessive severe congenital neutropenia due to G6PC3 deficiency. Last evaluated: 2022-05-18. Review status: criteria provided, single submitter. Criteria: Invitae Variant Classification Sherloc (09022015). Collection method: clinical testing. Allele origin: germline.
Comment: This sequence change replaces valine, which is neutral and non-polar, with methionine, which is neutral and non-polar, at codon 328 of the G6PC3 protein (p.Val328Met). This variant is present in population databases (no rsID available, gnomAD 0.0009%). This variant has not been reported in the literature in individuals affected with G6PC3-related conditions. ClinVar contains an entry for this variant (Variation ID: 582332). Algorithms developed to predict the effect of missense changes on protein structure and function are either unavailable or do not agree on the potential impact of this missense change (SIFT: "Deleterious"; PolyPhen-2: "Possibly Damaging"; Align-GVGD: "Class C0"). In summary, the available evidence is currently insufficient to determine the role of this variant in disease. Therefore, it has been classified as a Variant of Uncertain Significance.